The following is an entry in ClinVar:

ClinVar aggregate classification (germline): Uncertain significance (1 of 4 stars; one submission).

Allele frequency attached by ClinVar (database versions not stated): gnomAD 0.00001; gnomAD exomes 0.00001; TOPMed 0.00001; ExAC 0.00002.
gnomAD v4.1: 10 of 1,524,388 alleles (0.00066%); highest among the groups gnomAD compares: Non-Finnish European, 0.00089%; no homozygotes.

Submission:

Labcorp Genetics (formerly Invitae), Labcorp
Classification: Uncertain significance. Last evaluated: 2022-02-02. Review status: criteria provided, single submitter. Criteria: Invitae Variant Classification Sherloc (09022015). Collection method: clinical testing. Allele origin: germline.
Comment: In summary, the available evidence is currently insufficient to determine the role of this variant in disease. Therefore, it has been classified as a Variant of Uncertain Significance. Algorithms developed to predict the effect of missense changes on protein structure and function are either unavailable or do not agree on the potential impact of this missense change (SIFT: "Tolerated"; PolyPhen-2: "Possibly Damaging"; Align-GVGD: "Class C0"). This sequence change replaces threonine, which is neutral and polar, with alanine, which is neutral and non-polar, at codon 654 of the CCDC88A protein (p.Thr654Ala). The frequency data for this variant in the population databases is considered unreliable, as metrics indicate poor data quality at this position in the gnomAD database. This variant has not been reported in the literature in individuals affected with CCDC88A-related conditions.

NM_001365480.1(CCDC88A):c.1960A>G (p.Thr654Ala)

Gene: CCDC88A (coiled-coil and HOOK domain protein 88A; minus strand). Cytogenetic location: 2p16.1.
Variant type: single nucleotide variant.
Coding change: c.1960A>G on transcript NM_001365480.1 (MANE Select); coding-DNA position 1960, A replaced by G.
Protein change: p.Thr654Ala; replaces threonine 654 with alanine.
Molecular consequence: missense variant.
Genome position (GRCh38, 1-based): chr2:55,334,861, T>C on the plus strand (A>G on the coding strand, the complement: CCDC88A is on the minus strand). VCF-style: chr2-55334861-T-C. GRCh37 (hg19) VCF-style: chr2-55561997-T-C.
Other names: c.1960A>G, p.Thr654Ala (NM_001135597.2, NM_001254943.2, NM_018084.5); short protein forms T654A.
Identifiers: ClinVar variation 1418524 (VCV001418524.8), dbSNP rs750915273, ClinGen allele CA1666047.